The following is an entry in ClinVar:

ClinVar aggregate classification (germline): Uncertain significance (1 of 4 stars; one submission).

Conditions:
Regional enteritis. Also called: Enteritis, Granulomatous. Identifiers: MedGen C0678202, MeSH D003424.
Blau syndrome (BLAUS). Also called: GRANULOMATOSIS, FAMILIAL JUVENILE SYSTEMIC; GRANULOMATOSIS, FAMILIAL, BLAU TYPE; GRANULOMATOUS INFLAMMATORY ARTHRITIS, DERMATITIS, AND UVEITIS, FAMILIAL; JABS SYNDROME; ARTHROCUTANEOUVEAL GRANULOMATOSIS. Identifiers: Orphanet 90340, MedGen C5201146, MONDO:0008523, OMIM 186580.

Submission:

Labcorp Genetics (formerly Invitae), Labcorp
Classification: Uncertain significance for Regional enteritis; Blau syndrome. Last evaluated: 2025-02-16. Review status: criteria provided, single submitter. Criteria: Invitae Variant Classification Sherloc (09022015). Collection method: clinical testing. Allele origin: germline.
Comment: This sequence change falls in intron 8 of the NOD2 gene. It does not directly change the encoded amino acid sequence of the NOD2 protein. This variant is not present in population databases (gnomAD no frequency). This variant has not been reported in the literature in individuals affected with NOD2-related conditions. Algorithms developed to predict the effect of sequence changes on RNA splicing suggest that this variant may disrupt the consensus splice site. In summary, the available evidence is currently insufficient to determine the role of this variant in disease. Therefore, it has been classified as a Variant of Uncertain Significance.

NM_001370466.1(NOD2):c.2718-7C>G

Gene: NOD2 (nucleotide binding oligomerization domain containing 2; plus strand). Cytogenetic location: 16q12.1.
Variant type: single nucleotide variant.
Coding change: c.2718-7C>G on transcript NM_001370466.1 (MANE Select); 7 bases into the intron before coding-DNA position 2718, C replaced by G.
Molecular consequence: intron variant.
Genome position (GRCh38, 1-based): chr16:50,723,294, C>G. VCF-style: chr16-50723294-C-G. GRCh37 (hg19) VCF-style: chr16-50757205-C-G.
Other names: c.2799-7C>G (NM_022162.3); c.2718-7C>G (NM_001293557.2).
Identifiers: ClinVar variation 3751542 (VCV003751542.2).
Genomic context (GRCh38, chr16:50,723,294, plus strand): 5'-CATAGGTTAGCTCATCTCTGAGGTCTTTCCCTGCTCTGACATACTTTTGTTCCATGATTA[C>G]CTCCAGCCTGGTGGGGAACAACATTGGCAGTGTGGGTGCCCAAGCCTTGGCACTGATGCT-3'